The following is an entry in ClinVar:

NM_000047.3(ARSL):c.216C>T (p.Asp72=)

Gene: ARSL (arylsulfatase L; minus strand). Cytogenetic location: Xp22.33.
Variant type: single nucleotide variant.
Coding change: c.216C>T on transcript NM_000047.3 (MANE Select); coding-DNA position 216, C replaced by T.
Protein change: p.Asp72=; no amino-acid change (aspartic acid 72 retained).
Molecular consequence: synonymous variant.
Genome position (GRCh38, 1-based): chrX:2,955,507, G>A on the plus strand (C>T on the coding strand, the complement: ARSL is on the minus strand). VCF-style: chrX-2955507-G-A. GRCh37 (hg19) VCF-style: chrX-2873548-G-A.
Other names: c.291C>T, p.Asp97= (NM_001282628.2, NM_001369080.1); c.54C>T, p.Asp18= (NM_001282631.2); c.243C>T, p.Asp81= (NM_001369079.1).
Identifiers: ClinVar variation 1683204 (VCV001683204.27), dbSNP rs767307974, ClinGen allele CA10338230.

ClinVar aggregate classification (germline): Benign/Likely benign. Review status: criteria provided, multiple submitters, no conflicts (2 of 4 stars). 2 submissions from 2 submitters: Benign (1); Likely benign (1). Last evaluated 2025-11-10.

Conditions:
Chondrodysplasia punctata, brachytelephalangic, autosomal. Also called: BRACHYTELEPHALANGIC CHONDRODYSPLASIA PUNCTATA. Identifiers: MedGen C1844853, MONDO:0011238, OMIM 602497.

Allele frequency attached by ClinVar (database versions not stated): gnomAD 0.00004 and 0.00009; gnomAD exomes 0.00004 and 0.00017; TOPMed 0.00010; ExAC 0.00015; 1000 Genomes Project 30x 0.00125; 1000 Genomes Project 0.00132.
gnomAD v4.1: 62 of 1,209,343 alleles (0.0051%); highest among the groups gnomAD compares: East Asian, 0.12%; no homozygotes.

Submissions (2):

Labcorp Genetics (formerly Invitae), Labcorp
Classification: Benign for Chondrodysplasia punctata, brachytelephalangic, autosomal. Last evaluated: 2025-11-10. Review status: criteria provided, single submitter. Criteria: Invitae Variant Classification Sherloc (09022015). Collection method: clinical testing. Allele origin: germline.

CeGaT Center for Human Genetics Tuebingen
Classification: Likely benign. Last evaluated: 2024-05-01. Review status: criteria provided, single submitter. Criteria: CeGaT Center For Human Genetics Tuebingen Variant Classification Criteria Version 2. Collection method: clinical testing. Allele origin: germline. Affected: yes. Observed: 1 variant allele.
Comment: ARSL: BP4, BP7, BS2